The following is an entry in ClinVar:

NM_006623.4(PHGDH):c.889del (p.Glu297fs)

Gene: PHGDH (phosphoglycerate dehydrogenase; plus strand). Cytogenetic location: 1p12.
Variant type: Deletion.
Coding change: c.889del on transcript NM_006623.4 (MANE Select); coding-DNA position 889, one base deleted (G; older notation c.889delG).
Protein change: p.Glu297fs; shifts the reading frame from glutamic acid 297.
Molecular consequence: frameshift variant.
Genome position (GRCh38, 1-based): chr1:119,737,210, G deleted; the last of 4 consecutive G bases (chr1:119,737,207-119,737,210); deleting any one gives the same sequence. VCF-style (leftmost placement, unchanged base first): chr1-119737206-TG-T. GRCh37 (hg19) VCF-style: chr1-120279829-TG-T.
Other names: short protein forms E297fs.
Identifiers: ClinVar variation 2696662 (VCV002696662.3), dbSNP rs2464170715, ClinGen allele CA2647395228.
Genomic context (GRCh38, chr1:119,737,206, plus strand): 5'-TGAGAATGTCATCAGCTGTCCCCACCTGGGTGCCAGCACCAAGGAGGCTCAGAGCCGCTG[TG>T]GGGAGGAAATTGCTGTTCAGTTCGTGGACATGGTGAAGGGGAAATCTCTCACGGGGGTTG-3'

ClinVar aggregate classification (germline): Pathogenic (1 of 4 stars; one submission).

Conditions:
PHGDH deficiency. Identifiers: Orphanet 79351, MedGen C1866174, MONDO:0011152, OMIM 601815.

Submission:

Labcorp Genetics (formerly Invitae), Labcorp
Classification: Pathogenic for PHGDH deficiency. Last evaluated: 2023-11-17. Review status: criteria provided, single submitter. Criteria: Invitae Variant Classification Sherloc (09022015). Collection method: clinical testing. Allele origin: germline.
Comment: This sequence change creates a premature translational stop signal (p.Glu297Argfs*11) in the PHGDH gene. It is expected to result in an absent or disrupted protein product. Loss-of-function variants in PHGDH are known to be pathogenic (PMID: 14645240, 24836451). This variant is not present in population databases (gnomAD no frequency). This variant has not been reported in the literature in individuals affected with PHGDH-related conditions. For these reasons, this variant has been classified as Pathogenic.

Literature cited by the submitters: PubMed 14645240; PubMed 24836451.